The following is an entry in ClinVar:

NM_022098.4(XPNPEP3):c.1055+2T>G

Gene: XPNPEP3 (X-prolyl aminopeptidase 3; plus strand). Cytogenetic location: 22q13.2.
Variant type: single nucleotide variant.
Coding change: c.1055+2T>G on transcript NM_022098.4 (MANE Select); the canonical splice donor site of the intron after coding-DNA position 1055, T replaced by G.
Molecular consequence: splice donor variant.
Genome position (GRCh38, 1-based): chr22:40,914,326, T>G. VCF-style: chr22-40914326-T-G. GRCh37 (hg19) VCF-style: chr22-41310330-T-G.
Identifiers: ClinVar variation 1497807 (VCV001497807.8), dbSNP rs769010051, ClinGen allele CA10251843.

ClinVar aggregate classification (germline): Likely pathogenic. Review status: criteria provided, multiple submitters, no conflicts (2 of 4 stars). 2 submissions from 2 submitters: Likely pathogenic (2). Last evaluated 2024-10-17.

Conditions:
XPNPEP3-related disorder. Also called: XPNPEP3-related condition.
Nephronophthisis-like nephropathy 1 (NPHPL1). Identifiers: Orphanet 655, MedGen C3150419, MONDO:0013163, OMIM 613159.

Allele frequency attached by ClinVar (database versions not stated): ExAC 0.00008.

Submissions (3):

Blueprint Genetics
Classification: Likely pathogenic for XPNPEP3-related disorders. Last evaluated: 2024-10-17. Review status: criteria provided, single submitter. Criteria: ACMG Guidelines, 2015. Collection method: clinical testing. Allele origin: germline. Affected: yes. Observed: 2 variant alleles.

Labcorp Genetics (formerly Invitae), Labcorp
Classification: Likely pathogenic for Nephronophthisis-like nephropathy 1. Last evaluated: 2022-08-16. Review status: criteria provided, single submitter. Criteria: Invitae Variant Classification Sherloc (09022015). Collection method: clinical testing. Allele origin: germline.
Comment: This sequence change affects a donor splice site in intron 7 of the XPNPEP3 gene. It is expected to disrupt RNA splicing. Variants that disrupt the donor or acceptor splice site typically lead to a loss of protein function (PMID: 16199547), and loss-of-function variants in XPNPEP3 are known to be pathogenic (PMID: 20179356). The frequency data for this variant in the population databases is considered unreliable, as metrics indicate poor data quality at this position in the gnomAD database. This variant has not been reported in the literature in individuals affected with XPNPEP3-related conditions. ClinVar contains an entry for this variant (Variation ID: 1497807). Algorithms developed to predict the effect of sequence changes on RNA splicing suggest that this variant may disrupt the consensus splice site. In summary, the currently available evidence indicates that the variant is pathogenic, but additional data are needed to prove that conclusively. Therefore, this variant has been classified as Likely Pathogenic.

Dr. Peter K. Rogan Lab, Western University
No classification provided (evidence only). Condition: Papillary renal cell carcinoma type 1. Review status: no classification provided. Collection method: in vitro. Allele origin: not applicable. Functional consequence: retained intron. Not counted in ClinVar's aggregate classification.

Literature cited by the submitters: PubMed 16199547 (cited by Labcorp Genetics (formerly Invitae), Labcorp); PubMed 20179356 (cited by Labcorp Genetics (formerly Invitae), Labcorp).